The following is an entry in ClinVar:

NM_000079.4(CHRNA1):c.235-344G>A

Gene: CHRNA1 (cholinergic receptor nicotinic alpha 1 subunit; minus strand). Cytogenetic location: 2q31.1.
Variant type: single nucleotide variant.
Coding change: c.235-344G>A on transcript NM_000079.4 (MANE Select); 344 bases into the intron before coding-DNA position 235, G replaced by A.
Molecular consequence: intron variant. On other transcripts: missense variant (1).
Genome position (GRCh38, 1-based): chr2:174,758,019, C>T on the plus strand (G>A on the coding strand, the complement: CHRNA1 is on the minus strand). VCF-style: chr2-174758019-C-T. GRCh37 (hg19) VCF-style: chr2-175622747-C-T.
Other names: c.236G>A (NM_001039523.2); c.236G>A, p.Gly79Asp (NM_001039523.3); short protein forms G79D.
Identifiers: ClinVar variation 3372344 (VCV003372344.2).

ClinVar aggregate classification (germline): Uncertain significance. Review status: criteria provided, multiple submitters, no conflicts (2 of 4 stars). 2 submissions from 2 submitters: Uncertain significance (2). Last evaluated 2025-11-22.

Conditions:
CHRNA1-related disorder. Also called: CHRNA1-related condition.

Submissions (2):

PreventionGenetics, part of Exact Sciences
Classification: Uncertain significance for CHRNA1-related condition. Last evaluated: 2025-11-22. Review status: criteria provided, single submitter. Criteria: ACMG Guidelines, 2015. Collection method: clinical testing. Allele origin: germline.
Comment: The CHRNA1 c.236G>A variant is predicted to result in the amino acid substitution p.Gly79Asp. This variant is also described as c.235-344G>A (Intronic) in the canonical transcript (NM_000079.3). To our knowledge, this variant has not been reported in the literature or in a large population database (gnomAD), indicating this variant is rare. At this time, the clinical significance of this variant is uncertain due to the absence of conclusive functional and genetic evidence.

GeneDx
Classification: Uncertain significance. Last evaluated: 2024-04-29. Review status: criteria provided, single submitter. Criteria: GeneDx Variant Classification Process June 2021. Collection method: clinical testing. Allele origin: germline. Affected: yes.
Comment: Not observed at significant frequency in large population cohorts (gnomAD); In silico analysis indicates that this missense variant does not alter protein structure/function; Has not been previously published as pathogenic or benign to our knowledge; Reported using an alternate transcript of the gene